The following is an entry in ClinVar:

ClinVar aggregate classification (germline): Uncertain significance. Review status: criteria provided, multiple submitters, no conflicts (2 of 4 stars). 2 submissions from 2 submitters: Uncertain significance (2). Last evaluated 2025-07-31.

Conditions:
Familial cancer of breast. Also called: BREAST CANCER, FAMILIAL; hereditary breast carcinoma; Hereditary breast cancer. Identifiers: Orphanet 227535, MedGen C0346153, MONDO:0016419, OMIM 114480. Disease mechanism: loss of function.
Hereditary cancer-predisposing syndrome. Also called: Tumor predisposition; Hereditary neoplastic syndrome; Neoplastic Syndromes, Hereditary; Hereditary Cancer Syndrome. Identifiers: Orphanet 140162, MedGen C0027672, MeSH D009386, MONDO:0015356.

Submissions (2):

Ambry Genetics
Classification: Uncertain significance for Hereditary cancer-predisposing syndrome. Last evaluated: 2025-07-31. Review status: criteria provided, single submitter. Criteria: Ambry Variant Classification Scheme 2023. Collection method: clinical testing. Allele origin: germline.
Comment: The p.K685R variant (also known as c.2054A>G), located in coding exon 5 of the PALB2 gene, results from an A to G substitution at nucleotide position 2054. The lysine at codon 685 is replaced by arginine, an amino acid with highly similar properties. This amino acid position is conserved. In addition, this alteration is predicted to be tolerated by in silico analysis. Based on the available evidence, the clinical significance of this variant remains unclear.

Labcorp Genetics (formerly Invitae), Labcorp
Classification: Uncertain significance for Familial cancer of breast. Last evaluated: 2022-01-07. Review status: criteria provided, single submitter. Criteria: Invitae Variant Classification Sherloc (09022015). Collection method: clinical testing. Allele origin: germline.
Comment: In summary, the available evidence is currently insufficient to determine the role of this variant in disease. Therefore, it has been classified as a Variant of Uncertain Significance. Algorithms developed to predict the effect of missense changes on protein structure and function output the following: SIFT: "Tolerated"; PolyPhen-2: "Benign"; Align-GVGD: "Class C0". The arginine amino acid residue is found in multiple mammalian species, which suggests that this missense change does not adversely affect protein function. ClinVar contains an entry for this variant (Variation ID: 665746). This variant has not been reported in the literature in individuals affected with PALB2-related conditions. This variant is not present in population databases (gnomAD no frequency). This sequence change replaces lysine, which is basic and polar, with arginine, which is basic and polar, at codon 685 of the PALB2 protein (p.Lys685Arg).

NM_024675.4(PALB2):c.2054A>G (p.Lys685Arg)

Gene: PALB2 (partner and localizer of BRCA2; minus strand). Cytogenetic location: 16p12.2.
Variant type: single nucleotide variant.
Coding change: c.2054A>G on transcript NM_024675.4 (MANE Select); coding-DNA position 2054, A replaced by G.
Protein change: p.Lys685Arg; replaces lysine 685 with arginine.
Molecular consequence: missense variant.
Genome position (GRCh38, 1-based): chr16:23,630,100, T>C on the plus strand (A>G on the coding strand, the complement: PALB2 is on the minus strand). VCF-style: chr16-23630100-T-C. GRCh37 (hg19) VCF-style: chr16-23641421-T-C.
Other names: short protein forms K685R.
Identifiers: ClinVar variation 665746 (VCV000665746.12), dbSNP rs1597090309, ClinGen allele CA395126797.